The following is an entry in ClinVar:

NM_020964.3(EPG5):c.3239+5G>A

Gene: EPG5 (ectopic P-granules 5 autophagy tethering factor; minus strand). Cytogenetic location: 18q21.1.
Variant type: single nucleotide variant.
Coding change: c.3239+5G>A on transcript NM_020964.3 (MANE Select); 5 bases into the intron after coding-DNA position 3239, G replaced by A.
Molecular consequence: intron variant.
Genome position (GRCh38, 1-based): chr18:45,917,674, C>T on the plus strand (G>A on the coding strand, the complement: EPG5 is on the minus strand). VCF-style: chr18-45917674-C-T. GRCh37 (hg19) VCF-style: chr18-43497639-C-T.
Identifiers: ClinVar variation 1306690 (VCV001306690.2), dbSNP rs2145724330, ClinGen allele CA913203577.

ClinVar aggregate classification (germline): Uncertain significance (1 of 4 stars; one submission).

Submission:

GeneDx
Classification: Uncertain significance. Last evaluated: 2019-07-02. Review status: criteria provided, single submitter. Criteria: GeneDx Variant Classification Process June 2021. Collection method: clinical testing. Allele origin: germline. Affected: yes.
Comment: Has not been previously published as pathogenic or benign to our knowledge; Splice site variant predicted to result in an in-frame deletion exon 18; Not observed in large population cohorts (Lek et al., 2016)